The following is an entry in ClinVar:

ClinVar aggregate classification (germline): Uncertain significance (1 of 4 stars; one submission).

Conditions:
Cortical dysplasia-focal epilepsy syndrome (PTHSL1). Also called: Pitt-Hopkins-like syndrome 1. Identifiers: Orphanet 163681, Orphanet 221150, MedGen C2750246, MONDO:0012400, OMIM 610042.

Allele frequency attached by ClinVar (database versions not stated): gnomAD exomes below 0.00001; ExAC 0.00001; TOPMed 0.00001; gnomAD 0.00002; ESP Exome Variant Server 0.00008.
gnomAD v4.1: 4 of 1,613,874 alleles (0.00025%); highest among the groups gnomAD compares: African/African-American, 0.0053%; no homozygotes.

Submission:

Labcorp Genetics (formerly Invitae), Labcorp
Classification: Uncertain significance for Cortical dysplasia-focal epilepsy syndrome. Last evaluated: 2021-12-19. Review status: criteria provided, single submitter. Criteria: Invitae Variant Classification Sherloc (09022015). Collection method: clinical testing. Allele origin: germline.
Comment: This sequence change replaces glycine, which is neutral and non-polar, with serine, which is neutral and polar, at codon 932 of the CNTNAP2 protein (p.Gly932Ser). In summary, the available evidence is currently insufficient to determine the role of this variant in disease. Therefore, it has been classified as a Variant of Uncertain Significance. Algorithms developed to predict the effect of missense changes on protein structure and function (SIFT, PolyPhen-2, Align-GVGD) all suggest that this variant is likely to be disruptive. This variant has not been reported in the literature in individuals affected with CNTNAP2-related conditions. This variant is present in population databases (rs375721802, gnomAD 0.008%).

NM_014141.6(CNTNAP2):c.2794G>A (p.Gly932Ser)

Genes: CNTNAP2 (contactin associated protein 2; plus strand), LOC126860216 (BRD4-independent group 4 enhancer GRCh37_chr7:147868766-147869965; plus strand). Cytogenetic location: 7q35.
Variant type: single nucleotide variant.
Coding change: c.2794G>A on transcript NM_014141.6 (MANE Select); coding-DNA position 2794, G replaced by A.
Protein change: p.Gly932Ser; replaces glycine 932 with serine.
Molecular consequence: missense variant.
Genome position (GRCh38, 1-based): chr7:148,172,262, G>A. VCF-style: chr7-148172262-G-A. GRCh37 (hg19) VCF-style: chr7-147869354-G-A.
Other names: short protein forms G932S.
Identifiers: ClinVar variation 2150548 (VCV002150548.2), dbSNP rs375721802, ClinGen allele CA4546486.